The following is an entry in ClinVar:

ClinVar aggregate classification (germline): Likely benign. Review status: criteria provided, multiple submitters, no conflicts (2 of 4 stars). 2 submissions from 2 submitters: Likely benign (2). Last evaluated 2026-05-13.

Conditions:
Neurofibromatosis, type 1 (NF1). Also called: VON RECKLINGHAUSEN DISEASE; NEUROFIBROMATOSIS, TYPE I, SOMATIC; Neurofibromatosis, type I; Peripheral type neurofibromatosis. Identifiers: Orphanet 636, MedGen C0027831, MONDO:0018975, OMIM 162200. Disease mechanism: loss of function.

gnomAD v4.1: 2 of 1,614,180 alleles (0.00012%); highest among the groups gnomAD compares: Non-Finnish European, 0.000085%; no homozygotes.

Submissions (2):

Myriad Genetics, Inc.
Classification: Likely benign for Neurofibromatosis, type 1. Last evaluated: 2026-05-13. Review status: criteria provided, single submitter. Criteria: Myriad Autosomal Dominant, Autosomal Recessive and X-Linked Classification Criteria (2023). Collection method: clinical testing. Allele origin: unknown.
Comment: This variant is considered likely benign. This variant is intronic and is not expected to impact mRNA splicing.

Labcorp Genetics (formerly Invitae), Labcorp
Classification: Likely benign for Neurofibromatosis, type 1. Last evaluated: 2024-07-21. Review status: criteria provided, single submitter. Criteria: Invitae Variant Classification Sherloc (09022015). Collection method: clinical testing. Allele origin: germline.

NM_001042492.3(NF1):c.6922-9C>T

Gene: NF1 (neurofibromin 1; plus strand). Cytogenetic location: 17q11.2.
Variant type: single nucleotide variant.
Coding change: c.6922-9C>T on transcript NM_001042492.3 (MANE Select); 9 bases into the intron before coding-DNA position 6922, C replaced by T.
Molecular consequence: intron variant.
Genome position (GRCh38, 1-based): chr17:31,340,496, C>T. VCF-style: chr17-31340496-C-T. GRCh37 (hg19) VCF-style: chr17-29667514-C-T.
Other names: c.6859-9C>T (NM_000267.4).
Identifiers: ClinVar variation 1672584 (VCV001672584.9), dbSNP rs760085677, ClinGen allele CA2573153887.
Genomic context (GRCh38, chr17:31,340,496, plus strand): 5'-TGCAGTGTGTTTTGAAAGAGACTATGTCATGATTCATCTTACTAGCCTCAAACATATCTT[C>T]TTTGCCAGGACTCGCCTCTGCACAAAGCCCTCTTTTGGGTAGCTGTGGCTGTGCTGCAGC-3'